The following is an entry in ClinVar:

ClinVar aggregate classification (germline): Uncertain significance (1 of 4 stars; one submission).

Conditions:
Primary open angle glaucoma (POAG). Also called: OPTN-related open angle glaucoma. Identifiers: MedGen C0339573, MONDO:0100553, OMIM 137760.
Glaucoma 1, open angle, E. Identifiers: MedGen C1842026, MONDO:0007665.
Amyotrophic lateral sclerosis type 12 (ALS12). Also called: AMYOTROPHIC LATERAL SCLEROSIS 12 WITH OR WITHOUT FRONTOTEMPORAL DEMENTIA. Identifiers: Orphanet 803, MedGen C3150692, MONDO:0013264, OMIM 613435.

gnomAD v4.1: 3 of 1,613,868 alleles (0.00019%); highest among the groups gnomAD compares: Non-Finnish European, 0.00025%; no homozygotes.

Submission:

Labcorp Genetics (formerly Invitae), Labcorp
Classification: Uncertain significance for Primary open angle glaucoma; Glaucoma 1, open angle, E; Amyotrophic lateral sclerosis type 12. Last evaluated: 2024-04-25. Review status: criteria provided, single submitter. Criteria: Invitae Variant Classification Sherloc (09022015). Collection method: clinical testing. Allele origin: germline.
Comment: This sequence change falls in intron 2 of the OPTN gene. It does not directly change the encoded amino acid sequence of the OPTN protein. It affects a nucleotide within the consensus splice site. This variant is present in population databases (rs754564406, gnomAD 0.0009%). This variant has not been reported in the literature in individuals affected with OPTN-related conditions. Variants that disrupt the consensus splice site are a relatively common cause of aberrant splicing (PMID: 17576681, 9536098). Algorithms developed to predict the effect of sequence changes on RNA splicing suggest that this variant is not likely to affect RNA splicing. In summary, the available evidence is currently insufficient to determine the role of this variant in disease. Therefore, it has been classified as a Variant of Uncertain Significance.

Literature cited by the submitters: PubMed 17576681; PubMed 9536098.

NM_001008212.2(OPTN):c.166+3G>A

Genes: OPTN (optineurin; plus strand), LOC108903148 (10p13 OPTN distal Alu-mediated recombination region; plus strand). Cytogenetic location: 10p13.
Variant type: single nucleotide variant.
Coding change: c.166+3G>A on transcript NM_001008212.2 (MANE Select); 3 bases into the intron after coding-DNA position 166, G replaced by A.
Molecular consequence: intron variant.
Genome position (GRCh38, 1-based): chr10:13,109,291, G>A. VCF-style: chr10-13109291-G-A. GRCh37 (hg19) VCF-style: chr10-13151291-G-A.
Other names: c.166+3G>A (NM_001008211.1, NM_001008213.1, NM_021980.4).
Identifiers: ClinVar variation 3761145 (VCV003761145.2).